The following is an entry in ClinVar:

ClinVar aggregate classification (germline): Uncertain significance (1 of 4 stars; one submission).

Conditions:
Hereditary cancer-predisposing syndrome. Also called: Hereditary Cancer Syndrome; Tumor predisposition; Hereditary neoplastic syndrome; Neoplastic Syndromes, Hereditary. Identifiers: Orphanet 140162, MedGen C0027672, MeSH D009386, MONDO:0015356.

Submission:

Ambry Genetics
Classification: Uncertain significance for Hereditary cancer-predisposing syndrome. Last evaluated: 2024-06-12. Review status: criteria provided, single submitter. Criteria: Ambry Variant Classification Scheme 2023. Collection method: clinical testing. Allele origin: germline.
Comment: The p.S121P variant (also known as c.361T>C), located in coding exon 4 of the CDC73 gene, results from a T to C substitution at nucleotide position 361. The serine at codon 121 is replaced by proline, an amino acid with similar properties. This amino acid position is conserved. In addition, this alteration is predicted to be tolerated by in silico analysis. Based on the available evidence, the clinical significance of this variant remains unclear.

NM_024529.5(CDC73):c.361T>C (p.Ser121Pro)

Gene: CDC73 (cell division cycle 73; plus strand). Cytogenetic location: 1q31.2.
Variant type: single nucleotide variant.
Coding change: c.361T>C on transcript NM_024529.5 (MANE Select); coding-DNA position 361, T replaced by C.
Protein change: p.Ser121Pro; replaces serine 121 with proline.
Molecular consequence: missense variant.
Genome position (GRCh38, 1-based): chr1:193,135,444, T>C. VCF-style: chr1-193135444-T-C. GRCh37 (hg19) VCF-style: chr1-193104574-T-C.
Other names: short protein forms S121P.
Identifiers: ClinVar variation 3265073 (VCV003265073.1).
Genomic context (GRCh38, chr1:193,135,444, plus strand): 5'-TCTTCAGCAACATCGGCAAGTATAGACAGAAGCGCTCCCTTAGAAATAGGTCTTCAGCGA[T>C]CTACTCAAGGTATGTCTTGTTGCATATTTATATTGAACTTTCAGAAGCCCATTCCAAAAC-3'
Protein context (NP_078805.3, residues 111-131): SAPLEIGLQR[Ser121Pro]TQVKRAADEV